The following is an entry in ClinVar:

NM_133497.4(KCNV2):c.645G>C (p.Lys215Asn)

Gene: KCNV2 (potassium voltage-gated channel modifier subfamily V member 2; plus strand). Cytogenetic location: 9p24.2.
Variant type: single nucleotide variant.
Coding change: c.645G>C on transcript NM_133497.4 (MANE Select); coding-DNA position 645, G replaced by C.
Protein change: p.Lys215Asn; replaces lysine 215 with asparagine.
Molecular consequence: missense variant.
Genome position (GRCh38, 1-based): chr9:2,718,384, G>C. VCF-style: chr9-2718384-G-C. GRCh37 (hg19) VCF-style: chr9-2718384-G-C.
Other names: short protein forms K215N.
Identifiers: ClinVar variation 498304 (VCV000498304.24), dbSNP rs201327014, ClinGen allele CA4965554.

ClinVar aggregate classification (germline): Benign/Likely benign. Review status: criteria provided, multiple submitters, no conflicts (2 of 4 stars). 7 submissions from 7 submitters: Benign (2); Likely benign (2). 3 of the submissions do not count toward it. Last evaluated 2025-12-13.

Conditions:
KCNV2-related disorder. Also called: KCNV2-related condition.
Cone dystrophy with supernormal rod response (CDSRR). Also called: CONE DYSTROPHY WITH SUPERNORMAL ROD RESPONSES. Identifiers: Orphanet 209932, MedGen C1835897, MONDO:0012475, OMIM 610356.

Allele frequency attached by ClinVar (database versions not stated): TOPMed 0.00033; gnomAD 0.00035; ExAC 0.00044; gnomAD exomes 0.00048; 1000 Genomes Project 30x 0.00141; 1000 Genomes Project 0.00200.
gnomAD v4.1: 188 of 1,600,768 alleles (0.012%); highest among the groups gnomAD compares: East Asian, 0.39%; 2 homozygotes.

Submissions (7):

Labcorp Genetics (formerly Invitae), Labcorp
Classification: Benign. Last evaluated: 2025-12-13. Review status: criteria provided, single submitter. Criteria: Invitae Variant Classification Sherloc (09022015). Collection method: clinical testing. Allele origin: germline.

Blueprint Genetics
Classification: Likely benign. Last evaluated: 2024-08-30. Review status: criteria provided, single submitter. Criteria: ACMG Guidelines, 2015. Collection method: clinical testing. Allele origin: germline.

Illumina Laboratory Services, Illumina
Classification: Likely benign for Cone dystrophy with supernormal rod response. Last evaluated: 2018-01-13. Review status: criteria provided, single submitter. Criteria: ICSL Variant Classification Criteria 13 December 2019. Collection method: clinical testing. Allele origin: germline.
Comment: This variant was observed in the ICSL laboratory as part of a predisposition screen in an ostensibly healthy population. It had not been previously curated by ICSL or reported in the Human Gene Mutation Database (HGMD: prior to June 1st, 2018), and was therefore a candidate for classification through an automated scoring system. Utilizing variant allele frequency, disease prevalence and penetrance estimates, and inheritance mode, an automated score was calculated to assess if this variant is too frequent to cause the disease. Based on the score and internal cut-off values, a variant classified as likely benign is not then subjected to further curation. The score for this variant resulted in a classification of likely benign for this disease.

Eurofins Ntd Llc (ga)
Classification: Benign. Last evaluated: 2016-11-29. Review status: criteria provided, single submitter. Criteria: EGL Classification Definitions 2015. Collection method: clinical testing. Allele origin: germline. Observed: 1 variant allele, 1 heterozygote.

PreventionGenetics, part of Exact Sciences
Classification: Likely benign for KCNV2-related condition. Last evaluated: 2019-09-19. Review status: no assertion criteria provided. Collection method: clinical testing. Allele origin: germline. Not counted in ClinVar's aggregate classification.
Comment: This variant is classified as likely benign based on ACMG/AMP sequence variant interpretation guidelines (Richards et al. 2015 PMID: 25741868, with internal and published modifications).

Clinical Genetics DNA and cytogenetics Diagnostics Lab, Erasmus MC, Erasmus Medical Center
Classification: Uncertain significance. Review status: no assertion criteria provided. Collection method: clinical testing. Allele origin: germline. Affected: yes. Study: VKGL Data-share Consensus. Not counted in ClinVar's aggregate classification.

Clinical Genetics, Academic Medical Center
Classification: Uncertain significance. Review status: no assertion criteria provided. Collection method: clinical testing. Allele origin: germline. Affected: yes. Study: VKGL Data-share Consensus. Not counted in ClinVar's aggregate classification.